The following is an entry in ClinVar:

ClinVar aggregate classification (germline): Uncertain significance (1 of 4 stars; one submission).

Conditions:
Blau syndrome (BLAUS). Also called: JABS SYNDROME; ARTHROCUTANEOUVEAL GRANULOMATOSIS; GRANULOMATOSIS, FAMILIAL JUVENILE SYSTEMIC; GRANULOMATOSIS, FAMILIAL, BLAU TYPE; GRANULOMATOUS INFLAMMATORY ARTHRITIS, DERMATITIS, AND UVEITIS, FAMILIAL. Identifiers: Orphanet 90340, MedGen C5201146, MONDO:0008523, OMIM 186580.
Regional enteritis. Also called: Enteritis, Granulomatous. Identifiers: MedGen C0678202, MeSH D003424.

Allele frequency attached by ClinVar (database versions not stated): gnomAD exomes below 0.00001.
gnomAD v4.1: 1 of 1,609,336 alleles (0.000062%); highest among the groups gnomAD compares: African/African-American, 0.0013%; no homozygotes.

Submission:

Labcorp Genetics (formerly Invitae), Labcorp
Classification: Uncertain significance for Regional enteritis; Blau syndrome. Last evaluated: 2022-06-02. Review status: criteria provided, single submitter. Criteria: Invitae Variant Classification Sherloc (09022015). Collection method: clinical testing. Allele origin: germline.
Comment: In summary, the available evidence is currently insufficient to determine the role of this variant in disease. Therefore, it has been classified as a Variant of Uncertain Significance. Advanced modeling of protein sequence and biophysical properties (such as structural, functional, and spatial information, amino acid conservation, physicochemical variation, residue mobility, and thermodynamic stability) performed at Invitae indicates that this missense variant is not expected to disrupt NOD2 protein function. This variant has not been reported in the literature in individuals affected with NOD2-related conditions. This variant is not present in population databases (gnomAD no frequency). This sequence change replaces serine, which is neutral and polar, with glycine, which is neutral and non-polar, at codon 658 of the NOD2 protein (p.Ser658Gly).

NM_001370466.1(NOD2):c.1891A>G (p.Ser631Gly)

Gene: NOD2 (nucleotide binding oligomerization domain containing 2; plus strand). Cytogenetic location: 16q12.1.
Variant type: single nucleotide variant.
Coding change: c.1891A>G on transcript NM_001370466.1 (MANE Select); coding-DNA position 1891, A replaced by G.
Protein change: p.Ser631Gly; replaces serine 631 with glycine.
Molecular consequence: missense variant. On other transcripts: non-coding transcript variant (1).
Genome position (GRCh38, 1-based): chr16:50,711,883, A>G. VCF-style: chr16-50711883-A-G. GRCh37 (hg19) VCF-style: chr16-50745794-A-G.
Other names: c.1891A>G, p.Ser631Gly (NM_001293557.2); c.1972A>G, p.Ser658Gly (NM_022162.3); short protein forms S631G, S658G.
Identifiers: ClinVar variation 1957441 (VCV001957441.5), dbSNP rs2506426175, ClinGen allele CA395870375.